The following is an entry in ClinVar:

NM_020207.7(ERCC6L2):c.4040_4044del (p.Glu1347fs)

Gene: ERCC6L2 (ERCC excision repair 6 like 2; plus strand). Cytogenetic location: 9q22.32.
Variant type: Deletion.
Coding change: c.4040_4044del on transcript NM_020207.7 (MANE Select); coding-DNA positions 4040 to 4044, 5 bases deleted (AAGAG; older notation c.4040_4044delAAGAG).
Protein change: p.Glu1347fs; shifts the reading frame from glutamic acid 1347.
Molecular consequence: frameshift variant. On other transcripts: non-coding transcript variant (1), intron variant (2).
Genome position (GRCh38, 1-based): chr9:96,012,590-96,012,594, AAGAG deleted; deleting any 5 consecutive bases within chr9:96,012,586-96,012,594 gives the same sequence; the c. name uses the placement nearest the transcript's 3' end. VCF-style (leftmost placement, unchanged base first): chr9-96012585-TAGAGA-T. GRCh37 (hg19) VCF-style: chr9-98774867-TAGAGA-T.
Other names: c.3674+7889_3674+7893del (NM_001375291.1, NM_001375292.1); short protein forms E1347fs.
Identifiers: ClinVar variation 4761854 (VCV004761854.1).
Genomic context (GRCh38, chr9:96,012,585, plus strand): 5'-AGTTTGCAGCCTAAAAACATATAAAAGAAAATCAGTTAAGTTTCAGAATCATATTTCCTA[TAGAGA>T]AGAGGTGTTTTTTAATGATGCAGAAACTAAGAAATCACCTGTTAGTTCTACTCAAGAGAT-3'

ClinVar aggregate classification (germline): Uncertain significance (1 of 4 stars; one submission).

Submission:

Labcorp Genetics (formerly Invitae), Labcorp
Classification: Uncertain significance. Last evaluated: 2025-06-24. Review status: criteria provided, single submitter. Criteria: Invitae Variant Classification Sherloc (09022015). Collection method: clinical testing. Allele origin: germline.
Comment: This sequence change creates a premature translational stop signal (p.Glu1358Glyfs*4) in the ERCC6L2 gene. While this is not anticipated to result in nonsense mediated decay, it is expected to disrupt the last 204 amino acid(s) of the ERCC6L2 protein. This variant is not present in population databases (gnomAD no frequency). This variant has not been reported in the literature in individuals affected with ERCC6L2-related conditions. Experimental studies and prediction algorithms are not available or were not evaluated, and the functional significance of this variant is currently unknown. In summary, the available evidence is currently insufficient to determine the role of this variant in disease. Therefore, it has been classified as a Variant of Uncertain Significance.